The following is an entry in ClinVar:

ClinVar aggregate classification (germline): Uncertain significance (1 of 4 stars; one submission).

Submission:

Dasa
Classification: Uncertain significance. Last evaluated: 2025-12-26. Review status: criteria provided, single submitter. Criteria: DASA Assertion Criteria. Collection method: clinical testing. Allele origin: germline.
Comment: NM_001346194.2(OXGR1):c.354T>A (p.Tyr118*) is a nonsense variant in OXGR1 predicted to introduce a premature termination codon. This variant is rare in population databases. The currently available literature and clinical evidence are not sufficient to establish a definitive association between this variant and the reported condition. Therefore, this variant is classified as a variant of uncertain significance.

NM_001346194.2(OXGR1):c.354T>A (p.Tyr118Ter)

Gene: OXGR1 (oxoglutarate receptor 1; minus strand). Cytogenetic location: 13q32.1.
Variant type: single nucleotide variant.
Coding change: c.354T>A on transcript NM_001346194.2 (MANE Select); coding-DNA position 354, T replaced by A.
Protein change: p.Tyr118Ter; replaces tyrosine 118 with a stop codon.
Molecular consequence: nonsense.
Genome position (GRCh38, 1-based): chr13:96,987,406, A>T on the plus strand (T>A on the coding strand, the complement: OXGR1 is on the minus strand). VCF-style: chr13-96987406-A-T. GRCh37 (hg19) VCF-style: chr13-97639660-A-T.
Other names: c.354T>A, p.Tyr118Ter (NM_001346195.2, NM_001346196.2, NM_001346197.2 and 1 more transcripts); short protein forms Y118*.
Identifiers: ClinVar variation 4882888 (VCV004882888.2).